The following is an entry in ClinVar:

ClinVar aggregate classification (germline): Conflicting classifications of pathogenicity. Review status: criteria provided, conflicting classifications (1 of 4 stars). 7 submissions from 7 submitters: Likely pathogenic (3); Uncertain significance (3). 1 of the submissions does not count toward it. Last evaluated 2026-03-10.

Conditions:
Glycogen storage disease, type V (GSD5). Also called: McArdle type glycogen storage disease; MCARDLE DISEASE; MUSCLE GLYCOGEN PHOSPHORYLASE DEFICIENCY; MYOPHOSPHORYLASE DEFICIENCY; PYGM DEFICIENCY. Identifiers: Orphanet 368, MedGen C0017924, MONDO:0009293, OMIM 232600.

Allele frequency attached by ClinVar (database versions not stated): ExAC 0.00001; gnomAD exomes 0.00001; TOPMed 0.00001; gnomAD 0.00002.
gnomAD v4.1: 22 of 1,613,814 alleles (0.0014%); highest among the groups gnomAD compares: Non-Finnish European, 0.0018%; no homozygotes.

Submissions (7):

Myriad Genetics, Inc.
Classification: Uncertain significance for Glycogen storage disease, type V. Last evaluated: 2026-03-10. Review status: criteria provided, single submitter. Criteria: Myriad Autosomal Dominant, Autosomal Recessive and X-Linked Classification Criteria (2023). Collection method: clinical testing. Allele origin: unknown.
Comment: NM_005609.2(PYGM):c.875T>C(L292P) is a missense variant classified as a variant of uncertain significance in the context of glycogen storage disease, PYGM-related. L292P has been observed in cases with relevant disease (PMID: 34534370, 8279469). Relevant functional assessments of this variant are not available in the literature. L292P has been observed in referenced population frequency databases. In summary, there is insufficient evidence to classify NM_005609.2(PYGM):c.875T>C(L292P) as pathogenic or benign. Please note: this variant was assessed in the context of healthy population screening.

Labcorp Genetics (formerly Invitae), Labcorp
Classification: Likely pathogenic for Glycogen storage disease, type V. Last evaluated: 2025-12-01. Review status: criteria provided, single submitter. Criteria: Invitae Variant Classification Sherloc (09022015). Collection method: clinical testing. Allele origin: germline.
Comment: This sequence change replaces leucine, which is neutral and non-polar, with proline, which is neutral and non-polar, at codon 292 of the PYGM protein (p.Leu292Pro). This variant is present in population databases (rs780375860, gnomAD 0.003%). This missense change has been observed in individual(s) with McArdle disease and/or PYGM-related conditions (PMID: 8279469, 34534370; internal data). ClinVar contains an entry for this variant (Variation ID: 551186). Invitae Evidence Modeling of protein sequence and biophysical properties (such as structural, functional, and spatial information, amino acid conservation, physicochemical variation, residue mobility, and thermodynamic stability) indicates that this missense variant is expected to disrupt PYGM protein function with a positive predictive value of 95%. In summary, the currently available evidence indicates that the variant is pathogenic, but additional data are needed to prove that conclusively. Therefore, this variant has been classified as Likely Pathogenic.

Natera, Inc.
Classification: Likely pathogenic for Glycogen storage disease V. Last evaluated: 2025-11-07. Review status: criteria provided, single submitter. Criteria: Natera Variant Classification Schema (03/2026). Collection method: clinical testing. Allele origin: germline.
Comment: The c.875T>C variant in PYGM is a missense variant predicted to cause substitution of leucine to proline at amino acid 292. This variant is rare in the general population with a frequency below the threshold expected for the associated phenotype(s). This variant has been observed in one or more individuals affected with the associated recessive disease, as either homozygous or compound heterozygous with a second variant (PMID: 8279469, 34534370). Computational prediction algorithms indicate this variant is likely to affect gene or protein function. Given the available evidence, this variant is classified as Likely Pathogenic.

Fulgent Genetics
Classification: Likely pathogenic for Glycogen storage disease, type V. Last evaluated: 2024-05-06. Review status: criteria provided, single submitter. Criteria: ACMG Guidelines, 2015. Collection method: clinical testing. Allele origin: germline.

GeneDx
Classification: Uncertain significance. Last evaluated: 2022-12-15. Review status: criteria provided, single submitter. Criteria: GeneDx Variant Classification Process June 2021. Collection method: clinical testing. Allele origin: germline. Affected: yes.
Comment: Not observed at significant frequency in large population cohorts (gnomAD); In silico analysis supports that this missense variant has a deleterious effect on protein structure/function; This variant is associated with the following publications: (PMID: 21880526, 17915571, 10362816, 34534370, 8279469)

Revvity Omics, Revvity
Classification: Uncertain significance for Glycogen storage disease, type V. Last evaluated: 2019-09-25. Review status: criteria provided, single submitter. Criteria: ACMG Guidelines, 2015. Collection method: clinical testing. Allele origin: germline.

Counsyl
Classification: Uncertain significance for Glycogen storage disease, type V. Last evaluated: 2017-03-20. Review status: no assertion criteria provided. Collection method: clinical testing. Allele origin: unknown. Not counted in ClinVar's aggregate classification.

Literature cited by the submitters: PubMed 34534370 (cited by 3 submitters); PubMed 8279469 (cited by 4 submitters).

NM_005609.4(PYGM):c.875T>C (p.Leu292Pro)

Gene: PYGM (glycogen phosphorylase, muscle associated; minus strand). Cytogenetic location: 11q13.1.
Variant type: single nucleotide variant.
Coding change: c.875T>C on transcript NM_005609.4 (MANE Select); coding-DNA position 875, T replaced by C.
Protein change: p.Leu292Pro; replaces leucine 292 with proline.
Molecular consequence: missense variant.
Genome position (GRCh38, 1-based): chr11:64,754,817, A>G on the plus strand (T>C on the coding strand, the complement: PYGM is on the minus strand). VCF-style: chr11-64754817-A-G. GRCh37 (hg19) VCF-style: chr11-64522289-A-G.
Other names: c.611T>C, p.Leu204Pro (NM_001164716.1); c.875T>C (NM_005609.3); short protein forms L292P, L204P.
Identifiers: ClinVar variation 551186 (VCV000551186.12), dbSNP rs780375860, ClinGen allele CA6080080.